The following is an entry in ClinVar:

ClinVar aggregate classification (germline): Benign/Likely benign. Review status: criteria provided, multiple submitters, no conflicts (2 of 4 stars). 3 submissions from 3 submitters: Benign (1); Likely benign (2). Last evaluated 2025-11-23.

Conditions:
GFAP-related disorder. Also called: GFAP-related condition; GFAP-related disorders.

Allele frequency attached by ClinVar (database versions not stated): 1000 Genomes Project 30x 0.00016; ESP Exome Variant Server 0.00031.
gnomAD v4.1: 101 of 1,546,568 alleles (0.0065%); highest among the groups gnomAD compares: African/African-American, 0.11%; no homozygotes.

Submissions (3):

Labcorp Genetics (formerly Invitae), Labcorp
Classification: Benign. Last evaluated: 2025-11-23. Review status: criteria provided, single submitter. Criteria: Invitae Variant Classification Sherloc (09022015). Collection method: clinical testing. Allele origin: germline.

Mayo Clinic Laboratories, Mayo Clinic
Classification: Likely benign. Last evaluated: 2025-06-10. Review status: criteria provided, single submitter. Criteria: ACMG Guidelines, 2015. Collection method: clinical testing. Allele origin: germline. Observed: 1 variant allele.
Comment: BS1, BP4, BP7

PreventionGenetics, part of Exact Sciences
Classification: Likely benign for GFAP-related condition. Last evaluated: 2025-03-08. Review status: criteria provided, single submitter. Criteria: ACMG Guidelines, 2015. Collection method: clinical testing. Allele origin: germline.
Comment: This variant is classified as likely benign based on ACMG/AMP sequence variant interpretation guidelines (Richards et al. 2015 PMID: 25741868, with internal and published modifications).

NM_002055.5(GFAP):c.462-8C>T

Gene: GFAP (glial fibrillary acidic protein; minus strand). Cytogenetic location: 17q21.31.
Variant type: single nucleotide variant.
Coding change: c.462-8C>T on transcript NM_002055.5 (MANE Select); 8 bases into the intron before coding-DNA position 462, C replaced by T.
Molecular consequence: intron variant.
Genome position (GRCh38, 1-based): chr17:44,914,096, G>A on the plus strand (C>T on the coding strand, the complement: GFAP is on the minus strand). VCF-style: chr17-44914096-G-A. GRCh37 (hg19) VCF-style: chr17-42991464-G-A.
Other names: p.?; c.462-8C>T (NM_001363846.2, NM_001131019.3, NM_001242376.3 and 1 more transcripts).
Identifiers: ClinVar variation 1600198 (VCV001600198.11), dbSNP rs371492346, ClinGen allele CA8609005.
Genomic context (GRCh38, chr17:44,914,096, plus strand): 5'-AGGCAGCCAGGTTGTTCTCGGCTTCCAGCCTCAGGTTGGTTTCATCCTGGAGCCTGGAGT[G>A]GGGGGACACATTCCTGGGTCCAGGCTCTTCTGAGGACACTTGAATACCTGCCTCAGTCTC-3'